The following is an entry in ClinVar:

NM_152384.3(BBS5):c.902C>T (p.Ala301Val)

Gene: BBS5 (Bardet-Biedl syndrome 5; plus strand). Cytogenetic location: 2q31.1.
Variant type: single nucleotide variant.
Coding change: c.902C>T on transcript NM_152384.3 (MANE Select); coding-DNA position 902, C replaced by T.
Protein change: p.Ala301Val; replaces alanine 301 with valine.
Molecular consequence: missense variant.
Genome position (GRCh38, 1-based): chr2:169,504,304, C>T. VCF-style: chr2-169504304-C-T. GRCh37 (hg19) VCF-style: chr2-170360814-C-T.
Other names: short protein forms A301V.
Identifiers: ClinVar variation 1474046 (VCV001474046.6), dbSNP rs2105304210, ClinGen allele CA349169702.

ClinVar aggregate classification (germline): Uncertain significance (1 of 4 stars; one submission).

Conditions:
Bardet-Biedl syndrome (BBS). Identifiers: Orphanet 110, MedGen C0752166, MONDO:0015229.

Allele frequency attached by ClinVar (database versions not stated): gnomAD exomes below 0.00001.
gnomAD v4.1: 1 of 1,612,852 alleles (0.000062%); highest among the groups gnomAD compares: Non-Finnish European, 0.000085%; no homozygotes.

Submission:

Labcorp Genetics (formerly Invitae), Labcorp
Classification: Uncertain significance for Bardet-Biedl syndrome. Last evaluated: 2021-11-16. Review status: criteria provided, single submitter. Criteria: Invitae Variant Classification Sherloc (09022015). Collection method: clinical testing. Allele origin: germline.
Comment: In summary, the available evidence is currently insufficient to determine the role of this variant in disease. Therefore, it has been classified as a Variant of Uncertain Significance. Algorithms developed to predict the effect of sequence changes on RNA splicing suggest that this variant may create or strengthen a splice site. Algorithms developed to predict the effect of missense changes on protein structure and function are either unavailable or do not agree on the potential impact of this missense change (SIFT: "Deleterious"; PolyPhen-2: "Benign"; Align-GVGD: "Class C0"). This variant has not been reported in the literature in individuals affected with BBS5-related conditions. This variant is not present in population databases (gnomAD no frequency). This sequence change replaces alanine, which is neutral and non-polar, with valine, which is neutral and non-polar, at codon 301 of the BBS5 protein (p.Ala301Val).